The following is an entry in ClinVar:

NM_002439.5(MSH3):c.1461A>C (p.Gln487His)

Gene: MSH3 (mutS homolog 3; plus strand). Cytogenetic location: 5q14.1.
Variant type: single nucleotide variant.
Coding change: c.1461A>C on transcript NM_002439.5 (MANE Select); coding-DNA position 1461, A replaced by C.
Protein change: p.Gln487His; replaces glutamine 487 with histidine.
Molecular consequence: missense variant.
Genome position (GRCh38, 1-based): chr5:80,728,858, A>C. VCF-style: chr5-80728858-A-C. GRCh37 (hg19) VCF-style: chr5-80024677-A-C.
Other names: short protein forms Q487H.
Identifiers: ClinVar variation 819276 (VCV000819276.16), dbSNP rs138404237, ClinGen allele CA3327932.

ClinVar aggregate classification (germline): Uncertain significance. Review status: criteria provided, multiple submitters, no conflicts (2 of 4 stars). 3 submissions from 3 submitters: Uncertain significance (3). Last evaluated 2025-04-23.

Conditions:
Hereditary cancer-predisposing syndrome. Also called: Tumor predisposition; Hereditary neoplastic syndrome; Neoplastic Syndromes, Hereditary; Hereditary Cancer Syndrome. Identifiers: Orphanet 140162, MedGen C0027672, MeSH D009386, MONDO:0015356.

Allele frequency attached by ClinVar (database versions not stated): TOPMed below 0.00001; ESP Exome Variant Server 0.00008.
gnomAD v4.1: 5 of 1,578,948 alleles (0.00032%); highest among the groups gnomAD compares: Non-Finnish European, 0.00044%; no homozygotes.

Submissions (3):

Labcorp Genetics (formerly Invitae), Labcorp
Classification: Uncertain significance. Last evaluated: 2025-04-23. Review status: criteria provided, single submitter. Criteria: Invitae Variant Classification Sherloc (09022015). Collection method: clinical testing. Allele origin: germline.
Comment: This sequence change replaces glutamine, which is neutral and polar, with histidine, which is basic and polar, at codon 487 of the MSH3 protein (p.Gln487His). This variant is present in population databases (rs138404237, gnomAD 0.004%). This variant has not been reported in the literature in individuals affected with MSH3-related conditions. ClinVar contains an entry for this variant (Variation ID: 819276). An algorithm developed to predict the effect of missense changes on protein structure and function (PolyPhen-2) suggests that this variant is likely to be tolerated. In summary, the available evidence is currently insufficient to determine the role of this variant in disease. Therefore, it has been classified as a Variant of Uncertain Significance.

Ambry Genetics
Classification: Uncertain significance for Hereditary cancer-predisposing syndrome. Last evaluated: 2024-06-03. Review status: criteria provided, single submitter. Criteria: Ambry Variant Classification Scheme 2023. Collection method: clinical testing. Allele origin: germline.
Comment: The p.Q487H variant (also known as c.1461A>C), located in coding exon 10 of the MSH3 gene, results from an A to C substitution at nucleotide position 1461. The glutamine at codon 487 is replaced by histidine, an amino acid with highly similar properties. This amino acid position is well conserved in available vertebrate species. In addition, this alteration is predicted to be tolerated by in silico analysis. Since supporting evidence is limited at this time, the clinical significance of this alteration remains unclear.

Sema4
Classification: Uncertain significance for Hereditary cancer-predisposing syndrome. Last evaluated: 2021-06-23. Review status: criteria provided, single submitter. Criteria: Sema4 Curation Guidelines. Collection method: curation. Allele origin: germline.
Comment: The MSH3 c.1461A>C (p.Q487H) variant has not been reported in the literature to our knowledge. It was observed in 3/113340 chromosomes of the Non-Finnish European subpopulation in the large and broad cohorts of the Genome Aggregation Database (PMID: 32461654). The variant has been reported in ClinVar (Variation ID 819276). In silico tools suggest the impact of the variant on protein function is inconclusive, though these predictions have not been confirmed by functional studies. The evidence is insufficient to meet ACMG/AMP criteria for classifying the variant as benign or pathogenic. Thus, the clinical significance of this variant is currently uncertain.